The following is an entry in ClinVar:

NM_015275.3(WASHC4):c.3041A>G (p.Tyr1014Cys)

Gene: WASHC4 (WASH complex subunit 4; plus strand). Cytogenetic location: 12q23.3.
Variant type: single nucleotide variant.
Coding change: c.3041A>G on transcript NM_015275.3 (MANE Select); coding-DNA position 3041, A replaced by G.
Protein change: p.Tyr1014Cys; replaces tyrosine 1014 with cysteine.
Molecular consequence: missense variant.
Genome position (GRCh38, 1-based): chr12:105,160,129, A>G. VCF-style: chr12-105160129-A-G. GRCh37 (hg19) VCF-style: chr12-105553907-A-G.
Other names: c.3044A>G, p.Tyr1015Cys (NM_001293640.2); short protein forms Y1015C, Y1014C.
Identifiers: ClinVar variation 872777 (VCV000872777.48), dbSNP rs768574664, ClinGen allele CA6759127.
Genomic context (GRCh38, chr12:105,160,129, plus strand): 5'-TTGTAGACGTTTTTGCTCCAGAATTTCGAAGGCCAAAGAATATACATCTCCGAAATTTCT[A>G]TATAATTGTTCCCCCTCTGGTGAGTATTTCCAGAACCTAAAATGAATTTTTTTTTTAAAA-3'
Protein context (NP_056090.1, residues 1004-1024): RPKNIHLRNF[Tyr1014Cys]IIVPPLTLNF

ClinVar aggregate classification (germline): Conflicting classifications of pathogenicity. Review status: criteria provided, conflicting classifications (1 of 4 stars). 4 submissions from 4 submitters: Pathogenic (1); Likely pathogenic (1); Uncertain significance (1). 1 of the submissions does not count toward it. Last evaluated 2024-10-04.

Conditions:
Intellectual disability. Also called: Intellectual functioning disability; Intellectual developmental disorder; intellectual disabilities. Identifiers: MedGen C3714756, MeSH D008607, MONDO:0001071, HP:0001249.
Intellectual developmental disorder, autosomal recessive 43. Also called: Intellectual disability, autosomal recessive 43. Identifiers: Orphanet 88616, MedGen C4014386, MONDO:0014354, OMIM 615817.

gnomAD v4.1: 30 of 1,613,796 alleles (0.0019%); highest among the groups gnomAD compares: South Asian, 0.022%; no homozygotes.

Submissions (4):

Dubai Health Genomic Medicine Center, Dubai Health
Classification: Pathogenic for Intellectual developmental disorder. Last evaluated: 2024-10-04. Review status: criteria provided, single submitter. Criteria: ACMG Guidelines, 2015. Collection method: research. Allele origin: germline. Affected: yes.
Comment: PP1,PM3(moderate),PM2,PP3

Institute of Human Genetics, University of Leipzig Medical Center
Classification: Uncertain significance. Last evaluated: 2020-11-16. Review status: criteria provided, single submitter. Criteria: ACMG Guidelines, 2015. Collection method: clinical testing. Allele origin: biparental. Inheritance: Autosomal recessive inheritance. Affected: yes.
Comment: Review of the variants reported in Reuter et al., 2017, PMID: 28097321 PM2, PM3_Supporting

CeGaT Center for Human Genetics Tuebingen
Classification: Likely pathogenic. Last evaluated: 2019-11-01. Review status: criteria provided, single submitter. Criteria: CeGaT Center For Human Genetics Tuebingen Variant Classification Criteria Version 2. Collection method: clinical testing. Allele origin: germline. Affected: yes. Observed: 4 variant alleles.

OMIM
Classification: Pathogenic for INTELLECTUAL DEVELOPMENTAL DISORDER, AUTOSOMAL RECESSIVE 43. Last evaluated: 2022-07-07. Review status: no assertion criteria provided. Collection method: literature only. Allele origin: germline. Not counted in ClinVar's aggregate classification.

Literature cited by the submitters: PubMed 34599609 (cited by OMIM).